The following is an entry in ClinVar:

ClinVar aggregate classification (germline): Benign/Likely benign. Review status: criteria provided, multiple submitters, no conflicts (2 of 4 stars). 3 submissions from 3 submitters: Benign (1); Likely benign (2). Last evaluated 2026-07-01.

Allele frequency attached by ClinVar (database versions not stated): 1000 Genomes Project 0.00060; 1000 Genomes Project 30x 0.00062; TOPMed 0.00193; ESP Exome Variant Server 0.00238; ExAC 0.00241; gnomAD exomes 0.00241 and 0.00292; gnomAD 0.00268 and 0.00281.
gnomAD v4.1: 4,620 of 1,614,200 alleles (0.29%); highest among the groups gnomAD compares: Non-Finnish European, 0.34%; 13 homozygotes.

Submissions (3):

CeGaT Center for Human Genetics Tuebingen
Classification: Likely benign. Last evaluated: 2026-07-01. Review status: criteria provided, single submitter. Criteria: CeGaT Center For Human Genetics Tuebingen Variant Classification Criteria Version 2. Collection method: clinical testing. Allele origin: germline. Affected: yes. Observed: 28 variant alleles.
Comment: ZBTB20: BP4, BP7, BS2

Labcorp Genetics (formerly Invitae), Labcorp
Classification: Benign. Last evaluated: 2026-01-26. Review status: criteria provided, single submitter. Criteria: Invitae Variant Classification Sherloc (09022015). Collection method: clinical testing. Allele origin: germline.

Blueprint Genetics
Classification: Likely benign. Last evaluated: 2024-11-15. Review status: criteria provided, single submitter. Criteria: ACMG Guidelines, 2015. Collection method: clinical testing. Allele origin: germline.

NM_001348800.3(ZBTB20):c.1404G>A (p.Gln468=)

Gene: ZBTB20 (zinc finger and BTB domain containing 20; minus strand). Cytogenetic location: 3q13.31.
Variant type: single nucleotide variant.
Coding change: c.1404G>A on transcript NM_001348800.3 (MANE Select); coding-DNA position 1404, G replaced by A.
Protein change: p.Gln468=; no amino-acid change (glutamine 468 retained).
Molecular consequence: synonymous variant.
Genome position (GRCh38, 1-based): chr3:114,350,674, C>T on the plus strand (G>A on the coding strand, the complement: ZBTB20 is on the minus strand). VCF-style: chr3-114350674-C-T. GRCh37 (hg19) VCF-style: chr3-114069521-C-T.
Other names: c.1404G>A, p.Gln468= (NM_001164342.2, NM_001348803.3, NM_001393393.1 and 1 more transcripts); c.1185G>A, p.Gln395= (NM_001164343.2, NM_001164344.4, NM_001164345.4 and 9 more transcripts).
Identifiers: ClinVar variation 724489 (VCV000724489.40), dbSNP rs140765510, ClinGen allele CA2551311.